The following is an entry in ClinVar:

NM_007194.4(CHEK2):c.166A>G (p.Ser56Gly)

Gene: CHEK2 (checkpoint kinase 2; minus strand). Cytogenetic location: 22q12.1.
Variant type: single nucleotide variant.
Coding change: c.166A>G on transcript NM_007194.4 (MANE Select); coding-DNA position 166, A replaced by G.
Protein change: p.Ser56Gly; replaces serine 56 with glycine.
Molecular consequence: missense variant.
Genome position (GRCh38, 1-based): chr22:28,734,556, T>C on the plus strand (A>G on the coding strand, the complement: CHEK2 is on the minus strand). VCF-style: chr22-28734556-T-C. GRCh37 (hg19) VCF-style: chr22-29130544-T-C.
Other names: c.166A>G, p.Ser56Gly (NM_145862.3, NM_001005735.3, NM_001349956.3); c.-612A>G (NM_001257387.3); short protein forms S56G.
Identifiers: ClinVar variation 483355 (VCV000483355.15), dbSNP rs1555932413, ClinGen allele CA411090937.
Genomic context (GRCh38, chr22:28,734,556, plus strand): 5'-CAGGAATAGAATAGAGTTCCTGAGTGGACACTGTCTCTAAGGAGCTCAGTGTCCCAGAGC[T>C]GGAGTGAGAGGACTGGCTGGAGTTTGGCATCGTGCTGGTAGAGGAGCTGGATATGCCCTG-3'
Protein context (NP_009125.1, residues 46-66): MPNSSQSSHS[Ser56Gly]SGTLSSLETV

ClinVar aggregate classification (germline): Uncertain significance. Review status: criteria provided, multiple submitters, no conflicts (2 of 4 stars). 2 submissions from 2 submitters: Uncertain significance (2). Last evaluated 2022-02-10.

Conditions:
Hereditary cancer-predisposing syndrome. Also called: Neoplastic Syndromes, Hereditary; Tumor predisposition; Hereditary Cancer Syndrome; Hereditary neoplastic syndrome. Identifiers: Orphanet 140162, MedGen C0027672, MeSH D009386, MONDO:0015356.
Familial cancer of breast. Also called: BREAST CANCER, FAMILIAL; Hereditary breast cancer; hereditary breast carcinoma. Identifiers: Orphanet 227535, MedGen C0346153, MONDO:0016419, OMIM 114480. Disease mechanism: loss of function.

Submissions (2):

Ambry Genetics
Classification: Uncertain significance for Hereditary cancer-predisposing syndrome. Last evaluated: 2022-02-10. Review status: criteria provided, single submitter. Criteria: Ambry Variant Classification Scheme 2023. Collection method: clinical testing. Allele origin: germline.
Comment: The p.S56G variant (also known as c.166A>G), located in coding exon 1 of the CHEK2 gene, results from an A to G substitution at nucleotide position 166. The serine at codon 56 is replaced by glycine, an amino acid with similar properties. This amino acid position is highly conserved in available vertebrate species. In addition, the in silico prediction for this alteration is inconclusive. Since supporting evidence is limited at this time, the clinical significance of this alteration remains unclear.

Labcorp Genetics (formerly Invitae), Labcorp
Classification: Uncertain significance for Familial cancer of breast. Last evaluated: 2020-08-15. Review status: criteria provided, single submitter. Criteria: Invitae Variant Classification Sherloc (09022015). Collection method: clinical testing. Allele origin: germline.
Comment: This sequence change replaces serine with glycine at codon 56 of the CHEK2 protein (p.Ser56Gly). The serine residue is highly conserved and there is a small physicochemical difference between serine and glycine. This variant is not present in population databases (ExAC no frequency). This variant has not been reported in the literature in individuals with CHEK2-related conditions. ClinVar contains an entry for this variant (Variation ID: 483355). Algorithms developed to predict the effect of missense changes on protein structure and function are either unavailable or do not agree on the potential impact of this missense change (SIFT: "Deleterious"; PolyPhen-2: "Possibly Damaging"; Align-GVGD: "Class C0"). In summary, the available evidence is currently insufficient to determine the role of this variant in disease. Therefore, it has been classified as a Variant of Uncertain Significance.